The following is an entry in ClinVar:

NM_016035.5(COQ4):c.482A>G (p.Glu161Gly)

Gene: COQ4 (coenzyme Q4; plus strand). Cytogenetic location: 9q34.11.
Variant type: single nucleotide variant.
Coding change: c.482A>G on transcript NM_016035.5 (MANE Select); coding-DNA position 482, A replaced by G.
Protein change: p.Glu161Gly; replaces glutamic acid 161 with glycine.
Molecular consequence: missense variant. On other transcripts: intron variant (1).
Genome position (GRCh38, 1-based): chr9:128,332,232, A>G. VCF-style: chr9-128332232-A-G. GRCh37 (hg19) VCF-style: chr9-131094511-A-G.
Other names: c.*3-1242A>G (NM_001305942.2); short protein forms E161G.
Identifiers: ClinVar variation 2190571 (VCV002190571.3), dbSNP rs774647767, ClinGen allele CA5260590.
Genomic context (GRCh38, chr9:128,332,232, plus strand): 5'-GAGCACCCACCCGCTTCGTGGATGATGAGGAGCTAGCGTATGTGATTCAGCGGTACCGGG[A>G]GGTGCACGACATGCTTCACACCCTGCTGGGGATGCCCACCAACATCCTGGGTGAGTGCCC-3'
Protein context (NP_057119.3, residues 151-171): ELAYVIQRYR[Glu161Gly]VHDMLHTLLG

ClinVar aggregate classification (germline): Uncertain significance (1 of 4 stars; one submission).

Conditions:
Neonatal encephalomyopathy-cardiomyopathy-respiratory distress syndrome. Also called: Coenzyme Q10 deficiency, primary, 7. Identifiers: Orphanet 457185, MedGen C5568562, MONDO:0014562, OMIM 616276.

Allele frequency attached by ClinVar (database versions not stated): gnomAD exomes below 0.00001; ExAC 0.00001; TOPMed 0.00001.

Submission:

Labcorp Genetics (formerly Invitae), Labcorp
Classification: Uncertain significance for Neonatal encephalomyopathy-cardiomyopathy-respiratory distress syndrome. Last evaluated: 2024-02-23. Review status: criteria provided, single submitter. Criteria: Invitae Variant Classification Sherloc (09022015). Collection method: clinical testing. Allele origin: germline.
Comment: This sequence change replaces glutamic acid, which is acidic and polar, with glycine, which is neutral and non-polar, at codon 161 of the COQ4 protein (p.Glu161Gly). This variant is present in population databases (rs774647767, gnomAD 0.003%). This variant has not been reported in the literature in individuals affected with COQ4-related conditions. ClinVar contains an entry for this variant (Variation ID: 2190571). Advanced modeling of protein sequence and biophysical properties (such as structural, functional, and spatial information, amino acid conservation, physicochemical variation, residue mobility, and thermodynamic stability) has been performed at Invitae for this missense variant, however the output from this modeling did not meet the statistical confidence thresholds required to predict the impact of this variant on COQ4 protein function. In summary, the available evidence is currently insufficient to determine the role of this variant in disease. Therefore, it has been classified as a Variant of Uncertain Significance.